The following is an entry in ClinVar:

ClinVar aggregate classification (germline): Uncertain significance (1 of 4 stars; one submission).

Submission:

GeneDx
Classification: Uncertain significance. Last evaluated: 2022-01-21. Review status: criteria provided, single submitter. Criteria: GeneDx Variant Classification Process June 2021. Collection method: clinical testing. Allele origin: germline. Affected: yes.
Comment: Not observed at significant frequency in large population cohorts (gnomAD); Nonsense variant predicted to result in protein truncation or nonsense mediated decay in a gene for which loss-of-function is not a known mechanism of disease; Has not been previously published as pathogenic or benign to our knowledge

NM_001614.5(ACTG1):c.237G>A (p.Trp79Ter)

Gene: ACTG1 (actin gamma 1; minus strand). Cytogenetic location: 17q25.3.
Variant type: single nucleotide variant.
Coding change: c.237G>A on transcript NM_001614.5 (MANE Select); coding-DNA position 237, G replaced by A.
Protein change: p.Trp79Ter; replaces tryptophan 79 with a stop codon.
Molecular consequence: nonsense. On other transcripts: non-coding transcript variant (1).
Genome position (GRCh38, 1-based): chr17:81,512,029, C>T on the plus strand (G>A on the coding strand, the complement: ACTG1 is on the minus strand). VCF-style: chr17-81512029-C-T. GRCh37 (hg19) VCF-style: chr17-79479055-C-T.
Other names: c.237G>A, p.Trp79Ter (NM_001199954.3); short protein forms W79*.
Identifiers: ClinVar variation 1698366 (VCV001698366.2), dbSNP rs2143783424, ClinGen allele CA401463110.